The following is an entry in ClinVar:

NM_000399.5(EGR2):c.475C>A (p.Pro159Thr)

Gene: EGR2 (early growth response 2; minus strand). Cytogenetic location: 10q21.3.
Variant type: single nucleotide variant.
Coding change: c.475C>A on transcript NM_000399.5 (MANE Select); coding-DNA position 475, C replaced by A.
Protein change: p.Pro159Thr; replaces proline 159 with threonine.
Molecular consequence: missense variant.
Genome position (GRCh38, 1-based): chr10:62,814,163, G>T on the plus strand (C>A on the coding strand, the complement: EGR2 is on the minus strand). VCF-style: chr10-62814163-G-T. GRCh37 (hg19) VCF-style: chr10-64573923-G-T.
Other names: c.475C>A, p.Pro159Thr (NM_001136177.3, NM_001136178.2); c.325C>A, p.Pro109Thr (NM_001136179.3, NM_001321037.2); c.514C>A, p.Pro172Thr (NM_001410931.1); short protein forms P172T, P109T, P159T.
Identifiers: ClinVar variation 2183581 (VCV002183581.4), dbSNP rs778210403, ClinGen allele CA5517270.

ClinVar aggregate classification (germline): Uncertain significance (1 of 4 stars; one submission).

Conditions:
Charcot-Marie-Tooth disease, type I (CMT1). Also called: Charcot-Marie-Tooth, Type 1; Charcot-Marie-Tooth disease type 1. Identifiers: Orphanet 65753, MedGen C0751036, MONDO:0019011.

Allele frequency attached by ClinVar (database versions not stated): ExAC 0.00001; gnomAD exomes 0.00001.
gnomAD v4.1: 6 of 1,614,152 alleles (0.00037%); highest among the groups gnomAD compares: Admixed American, 0.0033%; no homozygotes.

Submission:

Labcorp Genetics (formerly Invitae), Labcorp
Classification: Uncertain significance for Charcot-Marie-Tooth disease, type I. Last evaluated: 2025-06-11. Review status: criteria provided, single submitter. Criteria: Invitae Variant Classification Sherloc (09022015). Collection method: clinical testing. Allele origin: germline.
Comment: This sequence change replaces proline, which is neutral and non-polar, with threonine, which is neutral and polar, at codon 159 of the EGR2 protein (p.Pro159Thr). This variant is present in population databases (rs778210403, gnomAD 0.006%). This variant has not been reported in the literature in individuals affected with EGR2-related conditions. ClinVar contains an entry for this variant (Variation ID: 2183581). Invitae Evidence Modeling of protein sequence and biophysical properties (such as structural, functional, and spatial information, amino acid conservation, physicochemical variation, residue mobility, and thermodynamic stability) indicates that this missense variant is not expected to disrupt EGR2 protein function with a negative predictive value of 80%. In summary, the available evidence is currently insufficient to determine the role of this variant in disease. Therefore, it has been classified as a Variant of Uncertain Significance.